The following is an entry in ClinVar:

ClinVar aggregate classification (germline): Benign/Likely benign. Review status: criteria provided, multiple submitters, no conflicts (2 of 4 stars). 4 submissions from 4 submitters: Benign (1); Likely benign (2). 1 of the submissions does not count toward it. Last evaluated 2025-12-25.

Conditions:
Primary familial hypertrophic cardiomyopathy (HCM). Identifiers: Orphanet 99739, MedGen C0949658, MeSH D024741, MONDO:0024573. Inheritance: Various modes of inheritance.
ILK-related disorder. Also called: ILK-related condition.

Allele frequency attached by ClinVar (database versions not stated): gnomAD 0.00007 and 0.00008; TOPMed 0.00010; ESP Exome Variant Server 0.00015; 1000 Genomes Project 30x 0.00016; gnomAD exomes 0.00019 and 0.00020; 1000 Genomes Project 0.00020; ExAC 0.00021.
gnomAD v4.1: 304 of 1,614,174 alleles (0.019%); highest among the groups gnomAD compares: South Asian, 0.026%; no homozygotes.

Submissions (4):

Labcorp Genetics (formerly Invitae), Labcorp
Classification: Likely benign for Primary familial hypertrophic cardiomyopathy. Last evaluated: 2025-12-25. Review status: criteria provided, single submitter. Criteria: Invitae Variant Classification Sherloc (09022015). Collection method: clinical testing. Allele origin: germline.

Ambry Genetics
Classification: Likely benign. Last evaluated: 2022-04-23. Review status: criteria provided, single submitter. Criteria: Ambry Variant Classification Scheme 2023. Collection method: clinical testing. Allele origin: germline.

GeneDx
Classification: Benign. Last evaluated: 2017-03-16. Review status: criteria provided, single submitter. Criteria: GeneDx Variant Classification (06012015). Collection method: clinical testing. Allele origin: germline. Affected: yes.
Comment: This variant is considered likely benign or benign based on one or more of the following criteria: it is a conservative change, it occurs at a poorly conserved position in the protein, it is predicted to be benign by multiple in silico algorithms, and/or has population frequency not consistent with disease.

PreventionGenetics, part of Exact Sciences
Classification: Likely benign for ILK-related condition. Last evaluated: 2019-03-13. Review status: no assertion criteria provided. Collection method: clinical testing. Allele origin: germline. Not counted in ClinVar's aggregate classification.
Comment: This variant is classified as likely benign based on ACMG/AMP sequence variant interpretation guidelines (Richards et al. 2015 PMID: 25741868, with internal and published modifications).

NM_004517.4(ILK):c.864C>T (p.Val288=)

Genes: TAF10 (TATA-box binding protein associated factor 10; minus strand), ILK (integrin linked kinase; plus strand). Cytogenetic location: 11p15.4.
Variant type: single nucleotide variant.
Coding change: c.864C>T on transcript NM_004517.4 (MANE Select); coding-DNA position 864, C replaced by T.
Protein change: p.Val288=; no amino-acid change (valine 288 retained).
Molecular consequence: synonymous variant. On other transcripts: 3 prime UTR variant (1).
Genome position (GRCh38, 1-based): chr11:6,609,731, C>T. VCF-style: chr11-6609731-C-T. GRCh37 (hg19) VCF-style: chr11-6630962-C-T.
Other names: c.864C>T, p.Val288= (NM_001014794.3, NM_001014795.3); c.681C>T, p.Val227= (NM_001278441.2); c.462C>T, p.Val154= (NM_001278442.2); c.*1191G>A (NM_006284.4).
Identifiers: ClinVar variation 516117 (VCV000516117.16), dbSNP rs147558204, ClinGen allele CA5858214.
Genomic context (GRCh38, chr11:6,609,731, plus strand): 5'-GAAATGGCAGAGAGGGAGCCTCTCTGAACTATTTGACTTTTGCCTCCTCTCAGATTTCGT[C>T]GTGGACCAGAGCCAGGCTGTGAAGTTTGCTTTGGACATGGCAAGGGGCATGGCCTTCCTA-3'
Protein context (NP_004508.1, residues 278-298): YNVLHEGTNF[Val288=]VDQSQAVKFA